The following is an entry in ClinVar:

ClinVar aggregate classification (germline): Uncertain significance (1 of 4 stars; one submission).

Submission:

GeneDx
Classification: Uncertain significance. Last evaluated: 2024-09-27. Review status: criteria provided, single submitter. Criteria: GeneDx Variant Classification Process June 2021. Collection method: clinical testing. Allele origin: germline. Affected: yes.
Comment: Not observed at significant frequency in large population cohorts (gnomAD); In silico analysis supports that this missense variant has a deleterious effect on protein structure/function; Has not been previously published as pathogenic or benign to our knowledge

NM_014975.3(MAST1):c.2015C>T (p.Thr672Ile)

Gene: MAST1 (microtubule associated serine/threonine kinase 1; plus strand). Cytogenetic location: 19p13.13.
Variant type: single nucleotide variant.
Coding change: c.2015C>T on transcript NM_014975.3 (MANE Select); coding-DNA position 2015, C replaced by T.
Protein change: p.Thr672Ile; replaces threonine 672 with isoleucine.
Molecular consequence: missense variant.
Genome position (GRCh38, 1-based): chr19:12,866,088, C>T. VCF-style: chr19-12866088-C-T. GRCh37 (hg19) VCF-style: chr19-12976902-C-T.
Other names: short protein forms T672I.
Identifiers: ClinVar variation 3774733 (VCV003774733.1).